The following is an entry in ClinVar:

NM_004782.4(SNAP29):c.384A>G (p.Val128=)

Gene: SNAP29 (synaptosome associated protein 29; plus strand). Cytogenetic location: 22q11.21.
Variant type: single nucleotide variant.
Coding change: c.384A>G on transcript NM_004782.4 (MANE Select); coding-DNA position 384, A replaced by G.
Protein change: p.Val128=; no amino-acid change (valine 128 retained).
Molecular consequence: synonymous variant.
Genome position (GRCh38, 1-based): chr22:20,870,483, A>G. VCF-style: chr22-20870483-A-G. GRCh37 (hg19) VCF-style: chr22-21224771-A-G.
Identifiers: ClinVar variation 2652923 (VCV002652923.24), dbSNP rs2518511870, ClinGen allele CA513461693.

ClinVar aggregate classification (germline): Likely benign (1 of 4 stars; one submission).

Submission:

CeGaT Center for Human Genetics Tuebingen
Classification: Likely benign. Last evaluated: 2022-08-01. Review status: criteria provided, single submitter. Criteria: CeGaT Center For Human Genetics Tuebingen Variant Classification Criteria Version 2. Collection method: clinical testing. Allele origin: germline. Affected: yes. Observed: 1 variant allele.
Comment: SNAP29: PM2:Supporting, BP4, BP7